The following is an entry in ClinVar:

NM_014028.4(OSTM1):c.442del (p.Met148fs)

Gene: OSTM1 (osteoclastogenesis associated transmembrane protein 1; minus strand). Cytogenetic location: 6q21.
Variant type: Deletion.
Coding change: c.442del on transcript NM_014028.4 (MANE Select); coding-DNA position 442, one base deleted (A; older notation c.442delA).
Protein change: p.Met148fs; shifts the reading frame from methionine 148.
Molecular consequence: frameshift variant.
Genome position (GRCh38, 1-based): chr6:108,064,260, T deleted on the plus strand (A on the coding strand, the reverse complement: OSTM1 is on the minus strand); the first of 2 consecutive T bases (chr6:108,064,260-108,064,261); deleting either gives the same sequence. VCF-style (leftmost placement, unchanged base first): chr6-108064259-AT-A. GRCh37 (hg19) VCF-style: chr6-108385463-AT-A.
Other names: short protein forms M148fs.
Identifiers: ClinVar variation 1072381 (VCV001072381.7), dbSNP rs2114606394, ClinGen allele CA2499218023.
Genomic context (GRCh38, chr6:108,064,259, plus strand): 5'-TCCTGCCATGTGGTATTAAAAAATTCTGAGAGAATCACAACTATTTGCATTCTATCTGCC[AT>A]TAAGAGACTTCTGGCACAACTCTGACTCTCTGAAGTATTCTGTAACAAAAAGAAGACAGA-3'

ClinVar aggregate classification (germline): Pathogenic (1 of 4 stars; one submission).

Submission:

Labcorp Genetics (formerly Invitae), Labcorp
Classification: Pathogenic. Last evaluated: 2020-10-16. Review status: criteria provided, single submitter. Criteria: Invitae Variant Classification Sherloc (09022015). Collection method: clinical testing. Allele origin: germline.
Comment: For these reasons, this variant has been classified as Pathogenic. This variant has not been reported in the literature in individuals with OSTM1-related conditions. This variant is not present in population databases (ExAC no frequency). This sequence change creates a premature translational stop signal (p.Met148Trpfs*7) in the OSTM1 gene. It is expected to result in an absent or disrupted protein product. Loss-of-function variants in OSTM1 are known to be pathogenic (PMID: 12627228, 15108279, 16813530).

Literature cited by the submitters: PubMed 12627228; PubMed 15108279; PubMed 16813530.